The following is an entry in ClinVar:

ClinVar aggregate classification (germline): Benign/Likely benign. Review status: criteria provided, multiple submitters, no conflicts (2 of 4 stars). 9 submissions from 6 submitters: Benign (5); Likely benign (4). Last evaluated 2026-01-28.

Conditions:
Cardiovascular phenotype. Identifiers: MedGen CN230736.
Myopathy, myofibrillar, 9, with early respiratory failure (MFM9). Also called: Hereditary myopathy with early respiratory failure; EDSTROM MYOPATHY; MYOPATHY, PROXIMAL, WITH EARLY RESPIRATORY MUSCLE INVOLVEMENT; Myopathy, distal, with early respiratory failure, autosomal dominant. Identifiers: Orphanet 178464, Orphanet 34521, MedGen C1863599, MONDO:0011362, OMIM 603689.
Autosomal recessive limb-girdle muscular dystrophy type 2J (LGMDR10). Also called: Limb-girdle muscular dystrophy, type 2J; MUSCULAR DYSTROPHY, LIMB-GIRDLE, AUTOSOMAL RECESSIVE 10. Identifiers: Orphanet 140922, MedGen C1837342, MONDO:0012127, OMIM 608807.
Tibial muscular dystrophy (TMD). Also called: Udd Distal Myopathy – Tibial Muscular Dystrophy; UDD MYOPATHY; Tibial muscular dystrophy, tardive. Identifiers: Orphanet 609, MedGen C1838244, MONDO:0010870, OMIM 600334.
TTN-related disorder. Also called: TTN-related condition; TTN-related disease; TTN-related disorders.
Dilated cardiomyopathy 1G (CMD1G). Identifiers: Orphanet 154, MedGen C1858763, MONDO:0011400, OMIM 604145.
Early-onset myopathy with fatal cardiomyopathy (CMYO5). Also called: Salih Myopathy; CONGENITAL MYOPATHY 5 WITH CARDIOMYOPATHY. Identifiers: Orphanet 289377, MedGen C2673677, MONDO:0012714, OMIM 611705. Disease mechanism: loss of function.
Hypertrophic cardiomyopathy 9. Also called: Familial hypertrophic cardiomyopathy 9. Identifiers: MedGen C1861065, MONDO:0013412, OMIM 613765.

Allele frequency attached by ClinVar (database versions not stated): gnomAD exomes 0.00002 and 0.00009; ExAC 0.00005; gnomAD 0.00013; TOPMed 0.00017.
gnomAD v4.1: 33 of 1,613,366 alleles (0.002%); highest among the groups gnomAD compares: East Asian, 0.058%; no homozygotes.

Submissions (9):

Labcorp Genetics (formerly Invitae), Labcorp
Classification: Benign for Dilated cardiomyopathy 1G; Autosomal recessive limb-girdle muscular dystrophy type 2J. Last evaluated: 2026-01-28. Review status: criteria provided, single submitter. Criteria: Invitae Variant Classification Sherloc (09022015). Collection method: clinical testing. Allele origin: germline.

PreventionGenetics, part of Exact Sciences
Classification: Likely benign for TTN-related condition. Last evaluated: 2025-12-22. Review status: criteria provided, single submitter. Criteria: ACMG Guidelines, 2015. Collection method: clinical testing. Allele origin: germline.
Comment: This variant is classified as likely benign based on ACMG/AMP sequence variant interpretation guidelines (Richards et al. 2015 PMID: 25741868, with internal and published modifications).

Ambry Genetics
Classification: Likely benign for Cardiovascular phenotype. Last evaluated: 2025-04-30. Review status: criteria provided, single submitter. Criteria: Ambry Variant Classification Scheme 2023. Collection method: clinical testing. Allele origin: germline.

Fulgent Genetics
Classification: Likely benign for Tibial muscular dystrophy; Myopathy, myofibrillar, 9, with early respiratory failure; Dilated cardiomyopathy 1G; Autosomal recessive limb-girdle muscular dystrophy type 2J; Early-onset myopathy with fatal cardiomyopathy; Hypertrophic cardiomyopathy 9. Last evaluated: 2022-03-09. Review status: criteria provided, single submitter. Criteria: ACMG Guidelines, 2015. Collection method: clinical testing. Allele origin: unknown.

Genome-Nilou Lab
Classification: Benign for Autosomal recessive limb-girdle muscular dystrophy type 2J. Last evaluated: 2021-09-10. Review status: criteria provided, single submitter. Criteria: ACMG Guidelines, 2015. Collection method: clinical testing. Allele origin: germline. Affected: no.

Genome-Nilou Lab
Classification: Benign for Myopathy, myofibrillar, 9, with early respiratory failure. Last evaluated: 2021-09-10. Review status: criteria provided, single submitter. Criteria: ACMG Guidelines, 2015. Collection method: clinical testing. Allele origin: germline. Affected: no.

Genome-Nilou Lab
Classification: Benign for Early-onset myopathy with fatal cardiomyopathy. Last evaluated: 2021-09-10. Review status: criteria provided, single submitter. Criteria: ACMG Guidelines, 2015. Collection method: clinical testing. Allele origin: germline. Affected: no.

Genome-Nilou Lab
Classification: Benign for Tibial muscular dystrophy. Last evaluated: 2021-09-10. Review status: criteria provided, single submitter. Criteria: ACMG Guidelines, 2015. Collection method: clinical testing. Allele origin: germline. Affected: no.

GeneDx
Classification: Likely benign. Last evaluated: 2017-12-27. Review status: criteria provided, single submitter. Criteria: GeneDx Variant Classification (06012015). Collection method: clinical testing. Allele origin: germline. Affected: yes.
Comment: This variant is considered likely benign or benign based on one or more of the following criteria: it is a conservative change, it occurs at a poorly conserved position in the protein, it is predicted to be benign by multiple in silico algorithms, and/or has population frequency not consistent with disease.

NM_001267550.2(TTN):c.78991C>A (p.Arg26331=)

Genes: TTN (titin; minus strand), TTN-AS1 (TTN antisense RNA 1; plus strand). Cytogenetic location: 2q31.2.
Variant type: single nucleotide variant.
Coding change: c.78991C>A on transcript NM_001267550.2 (MANE Select); coding-DNA position 78991, C replaced by A.
Protein change: p.Arg26331=; no amino-acid change (arginine 26331 retained).
Molecular consequence: synonymous variant.
Genome position (GRCh38, 1-based): chr2:178,567,141, G>T on the plus strand (C>A on the coding strand, the complement: TTN is on the minus strand). VCF-style: chr2-178567141-G-T. GRCh37 (hg19) VCF-style: chr2-179431868-G-T.
Other names: c.74068C>A, p.Arg24690= (NM_001256850.1); c.51796C>A, p.Arg17266= (NM_003319.4); c.71287C>A, p.Arg23763= (NM_133378.4); c.52171C>A, p.Arg17391= (NM_133432.3); c.52372C>A, p.Arg17458= (NM_133437.4).
Identifiers: ClinVar variation 514327 (VCV000514327.13), dbSNP rs779996703, ClinGen allele CA1989541.